The following is an entry in ClinVar:

NM_019842.4(KCNQ5):c.1499A>G (p.Tyr500Cys)

Gene: KCNQ5 (potassium voltage-gated channel subfamily Q member 5; plus strand). Cytogenetic location: 6q13.
Variant type: single nucleotide variant.
Coding change: c.1499A>G on transcript NM_019842.4 (MANE Select); coding-DNA position 1499, A replaced by G.
Protein change: p.Tyr500Cys; replaces tyrosine 500 with cysteine.
Molecular consequence: missense variant. On other transcripts: intron variant (1).
Genome position (GRCh38, 1-based): chr6:73,169,776, A>G. VCF-style: chr6-73169776-A-G. GRCh37 (hg19) VCF-style: chr6-73879499-A-G.
Other names: c.1472A>G, p.Tyr491Cys (NM_001160130.2); c.1529A>G, p.Tyr510Cys (NM_001160132.2); c.1556A>G, p.Tyr519Cys (NM_001160133.2); c.1248-20797A>G (NM_001160134.2); short protein forms Y510C, Y519C, Y491C, Y500C.
Identifiers: ClinVar variation 2305761 (VCV002305761.4), dbSNP rs2533866902, ClinGen allele CA364691329.

ClinVar aggregate classification (germline): Uncertain significance. Review status: criteria provided, multiple submitters, no conflicts (2 of 4 stars). 2 submissions from 2 submitters: Uncertain significance (2). Last evaluated 2026-02-17.

Conditions:
KCNQ5-related disorder. Also called: KCNQ5-related condition.
Inborn genetic diseases. Identifiers: MedGen C0950123, MeSH D030342.

Allele frequency attached by ClinVar (database versions not stated): gnomAD exomes below 0.00001.
gnomAD v4.1: 1 of 1,613,850 alleles (0.000062%); highest among the groups gnomAD compares: South Asian, 0.0011%; no homozygotes.

Submissions (2):

Ambry Genetics
Classification: Uncertain significance for Inborn genetic diseases. Last evaluated: 2026-02-17. Review status: criteria provided, single submitter. Criteria: Ambry Variant Classification Scheme 2023. Collection method: clinical testing. Allele origin: germline.
Comment: The c.1556A>G (p.Y519C) alteration is located in exon 12 (coding exon 12) of the KCNQ5 gene. This alteration results from an A to G substitution at nucleotide position 1556, causing the tyrosine (Y) at amino acid position 519 to be replaced by a cysteine (C). This variant was not reported in population-based cohorts in the Genome Aggregation Database (gnomAD). This amino acid position is highly conserved in available vertebrate species. This alteration is predicted to be deleterious by in silico analysis. Based on insufficient or conflicting evidence, the clinical significance of this alteration remains unclear.

PreventionGenetics, part of Exact Sciences
Classification: Uncertain significance for KCNQ5-related condition. Last evaluated: 2024-12-27. Review status: criteria provided, single submitter. Criteria: ACMG Guidelines, 2015. Collection method: clinical testing. Allele origin: germline.
Comment: The KCNQ5 c.1556A>G variant is predicted to result in the amino acid substitution p.Tyr519Cys. To our knowledge, this variant has not been reported in the literature or in a large population database (gnomAD), indicating this variant is rare. At this time, the clinical significance of this variant is uncertain due to the absence of conclusive functional and genetic evidence.